The following is an entry in ClinVar:

ClinVar aggregate classification (germline): Uncertain significance (1 of 4 stars; one submission).

Submission:

GeneDx
Classification: Uncertain significance. Last evaluated: 2026-02-02. Review status: criteria provided, single submitter. Criteria: GeneDx Variant Classification Process June 2021. Collection method: clinical testing. Allele origin: germline.
Comment: Not observed at significant frequency in large population cohorts (gnomAD); In silico analysis supports that this missense variant has a deleterious effect on protein structure/function; Has not been previously published as pathogenic or benign to our knowledge; This substitution is predicted to be within the extracellular loop between the S5 and S6 transmembrane segments of the third homologous domain

NM_001165963.4(SCN1A):c.4139C>G (p.Thr1380Arg)

Genes: SCN1A (sodium voltage-gated channel alpha subunit 1; minus strand), LOC102724058 (uncharacterized LOC102724058; plus strand). Cytogenetic location: 2q24.3.
Variant type: single nucleotide variant.
Coding change: c.4139C>G on transcript NM_001165963.4 (MANE Select); coding-DNA position 4139, C replaced by G.
Protein change: p.Thr1380Arg; replaces threonine 1380 with arginine.
Molecular consequence: missense variant. On other transcripts: non-coding transcript variant (1).
Genome position (GRCh38, 1-based): chr2:166,002,617, G>C on the plus strand (C>G on the coding strand, the complement: SCN1A is on the minus strand). VCF-style: chr2-166002617-G-C. GRCh37 (hg19) VCF-style: chr2-166859127-G-C.
Other names: c.1697C>G, p.Thr566Arg (NM_001353961.2); c.4106C>G, p.Thr1369Arg (NM_006920.6, NM_001353949.2, NM_001353950.2 and 2 more transcripts); c.4055C>G, p.Thr1352Arg (NM_001165964.3, NM_001353957.2, NM_001353958.2); c.4139C>G, p.Thr1380Arg (NM_001202435.3, NM_001353948.2); c.4103C>G, p.Thr1368Arg (NM_001353954.2, NM_001353955.2); c.4052C>G, p.Thr1351Arg (NM_001353960.2); short protein forms T1351R, T1352R, T1368R, T1369R, T1380R, T566R.
Identifiers: ClinVar variation 4539886 (VCV004539886.2).